The following is an entry in ClinVar:

NM_001854.4(COL11A1):c.2921C>A (p.Pro974Gln)

Gene: COL11A1 (collagen type XI alpha 1 chain; minus strand). Cytogenetic location: 1p21.1.
Variant type: single nucleotide variant.
Coding change: c.2921C>A on transcript NM_001854.4 (MANE Select); coding-DNA position 2921, C replaced by A.
Protein change: p.Pro974Gln; replaces proline 974 with glutamine.
Molecular consequence: missense variant. On other transcripts: non-coding transcript variant (1).
Genome position (GRCh38, 1-based): chr1:102,962,756, G>T on the plus strand (C>A on the coding strand, the complement: COL11A1 is on the minus strand). VCF-style: chr1-102962756-G-T. GRCh37 (hg19) VCF-style: chr1-103428312-G-T.
Other names: c.2804C>A, p.Pro935Gln (NM_001190709.2); c.2957C>A, p.Pro986Gln (NM_080629.3); c.2573C>A, p.Pro858Gln (NM_080630.4); short protein forms P986Q, P974Q, P858Q, P935Q.
Identifiers: ClinVar variation 197066 (VCV000197066.49), dbSNP rs78046647, ClinGen allele CA244994.

ClinVar aggregate classification (germline): Benign/Likely benign. Review status: criteria provided, multiple submitters, no conflicts (2 of 4 stars). 9 submissions from 9 submitters: Benign (2); Likely benign (6). 1 of the submissions does not count toward it. Last evaluated 2026-08-17.

Conditions:
COL11A1-related disorder. Also called: COL11A1-related disorders; COL11A1-related condition.
Connective tissue disorder. Also called: Connective tissue disease. Identifiers: MedGen C0009782, MONDO:0003900.

Allele frequency attached by ClinVar (database versions not stated): 1000 Genomes Project 0.00120; 1000 Genomes Project 30x 0.00125; gnomAD exomes 0.00172 and 0.00256; ExAC 0.00187; TOPMed 0.00200; ESP Exome Variant Server 0.00231; gnomAD 0.00233.
gnomAD v4.1: 4,026 of 1,613,922 alleles (0.25%); highest among the groups gnomAD compares: Non-Finnish European, 0.32%; 12 homozygotes.

Submissions (9):

Genome Diagnostics Laboratory, The Hospital for Sick Children
Classification: Likely benign for Connective tissue disorder. Last evaluated: 2026-08-17. Review status: criteria provided, single submitter. Criteria: ACMG Guidelines, 2015. Collection method: clinical testing. Allele origin: germline. Affected: yes.
Comment: This missense variant results in a change of proline to glutamine at position 974, and in silico programs predict this variant to be damaging. This variant was observed in individuals affected with early on-set osteoarthritis (PMID: 15922184) and short stature (PMID: 30753492). This variant is observed at an allele frequency of 0.25% (4026 of 1613922 alleles) in populations of the Genome Aggregation Database (gnomAD) including 12 homozygotes and up to 3.4% in the Amish cohort. Based on the evidence, this variant is classified as a likely benign variant (ACMG Criteria: BS1, BS2m, BP6).

CeGaT Center for Human Genetics Tuebingen
Classification: Benign. Last evaluated: 2026-08-01. Review status: criteria provided, single submitter. Criteria: CeGaT Center For Human Genetics Tuebingen Variant Classification Criteria Version 2. Collection method: clinical testing. Allele origin: germline. Affected: yes. Observed: 12 variant alleles.
Comment: COL11A1: PP3, BS1, BS2

Labcorp Genetics (formerly Invitae), Labcorp
Classification: Likely benign. Last evaluated: 2026-02-02. Review status: criteria provided, single submitter. Criteria: Invitae Variant Classification Sherloc (09022015). Collection method: clinical testing. Allele origin: germline.

Blueprint Genetics
Classification: Likely benign. Last evaluated: 2024-11-22. Review status: criteria provided, single submitter. Criteria: ACMG Guidelines, 2015. Collection method: clinical testing. Allele origin: germline.

GeneDx
Classification: Likely benign. Last evaluated: 2021-02-26. Review status: criteria provided, single submitter. Criteria: GeneDx Variant Classification Process June 2021. Collection method: clinical testing. Allele origin: germline. Affected: yes.
Comment: In silico analysis supports that this missense variant has a deleterious effect on protein structure/function; This variant is associated with the following publications: (PMID: 22995991, 15922184, 30753492, 33570564)

Athena Diagnostics
Classification: Benign. Last evaluated: 2019-07-12. Review status: criteria provided, single submitter. Criteria: Athena Diagnostics Criteria. Collection method: clinical testing. Allele origin: germline.

Center for Human Genetics, Inc
Classification: Likely benign for Connective tissue disorder. Last evaluated: 2018-06-01. Review status: criteria provided, single submitter. Criteria: ACMG Guidelines, 2015. Collection method: clinical testing. Allele origin: germline. Affected: yes.

Eurofins Ntd Llc (ga)
Classification: Likely benign. Last evaluated: 2017-04-27. Review status: criteria provided, single submitter. Criteria: EGL Classification Definitions 2015. Collection method: clinical testing. Allele origin: germline. Observed: 3 variant alleles, 3 heterozygotes.

PreventionGenetics, part of Exact Sciences
Classification: Likely benign for COL11A1-related condition. Last evaluated: 2021-02-16. Review status: no assertion criteria provided. Collection method: clinical testing. Allele origin: germline. Not counted in ClinVar's aggregate classification.
Comment: This variant is classified as likely benign based on ACMG/AMP sequence variant interpretation guidelines (Richards et al. 2015 PMID: 25741868, with internal and published modifications).

Literature cited by the submitters: PubMed 15922184 (cited by 3 submitters); PubMed 30753492 (cited by Genome Diagnostics Laboratory, The Hospital for Sick Children and Athena Diagnostics).